The following is an entry in ClinVar:

NM_020312.4(COQ9):c.476G>A (p.Arg159His)

Gene: COQ9 (coenzyme Q9; plus strand). Cytogenetic location: 16q21.
Variant type: single nucleotide variant.
Coding change: c.476G>A on transcript NM_020312.4 (MANE Select); coding-DNA position 476, G replaced by A.
Protein change: p.Arg159His; replaces arginine 159 with histidine.
Molecular consequence: missense variant.
Genome position (GRCh38, 1-based): chr16:57,456,601, G>A. VCF-style: chr16-57456601-G-A. GRCh37 (hg19) VCF-style: chr16-57490513-G-A.
Other names: c.476G>A (NM_020312.1); short protein forms R159H.
Identifiers: ClinVar variation 445860 (VCV000445860.3), dbSNP rs761979107, ClinGen allele CA8076219.
Genomic context (GRCh38, chr16:57,456,601, plus strand): 5'-GGAAGGATGGCAGTGAGCTAATACTGCATTTTGTGACCCAGTGCAATACCCGGCTCACAC[G>A]TGTGCTAGAAGAGGAGCAGAAGCTGGTACAGTTGGGCCAGGCGGAGTAAGTCCCATGGCA-3'
Protein context (NP_064708.1, residues 149-169): FVTQCNTRLT[Arg159His]VLEEEQKLVQ

ClinVar aggregate classification (germline): Uncertain significance. Review status: criteria provided, multiple submitters, no conflicts (2 of 4 stars). 2 submissions from 2 submitters: Uncertain significance (2). Last evaluated 2023-06-22.

Allele frequency attached by ClinVar (database versions not stated): ExAC 0.00003; gnomAD exomes 0.00003 and 0.00004; TOPMed 0.00003; gnomAD 0.00004.
gnomAD v4.1: 44 of 1,614,016 alleles (0.0027%); highest among the groups gnomAD compares: African/African-American, 0.0067%; no homozygotes.

Submissions (2):

GeneDx
Classification: Uncertain significance. Last evaluated: 2023-06-22. Review status: criteria provided, single submitter. Criteria: GeneDx Variant Classification Process June 2021. Collection method: clinical testing. Allele origin: germline. Affected: yes.
Comment: Not observed at significant frequency in large population cohorts (gnomAD); In silico analysis supports that this missense variant does not alter protein structure/function; Has not been previously published as pathogenic or benign to our knowledge

Center for Pediatric Genomic Medicine, Children's Mercy Hospital and Clinics
Classification: Uncertain significance. Last evaluated: 2017-09-11. Review status: criteria provided, single submitter. Criteria: ACMG Guidelines, 2015. Collection method: clinical testing. Allele origin: germline.